The following is an entry in ClinVar:

ClinVar aggregate classification (germline): Uncertain significance. Review status: criteria provided, multiple submitters, no conflicts (2 of 4 stars). 3 submissions from 3 submitters: Uncertain significance (3). Last evaluated 2023-12-18.

gnomAD v4.1: 4 of 1,613,950 alleles (0.00025%); highest among the groups gnomAD compares: Admixed American, 0.0067%; no homozygotes.

Submissions (3):

Labcorp Genetics (formerly Invitae), Labcorp
Classification: Uncertain significance. Last evaluated: 2023-12-18. Review status: criteria provided, single submitter. Criteria: Invitae Variant Classification Sherloc (09022015). Collection method: clinical testing. Allele origin: germline.
Comment: This sequence change replaces alanine, which is neutral and non-polar, with threonine, which is neutral and polar, at codon 456 of the SLC4A1 protein (p.Ala456Thr). This variant is present in population databases (rs774299761, gnomAD 0.009%). This variant has not been reported in the literature in individuals affected with SLC4A1-related conditions. ClinVar contains an entry for this variant (Variation ID: 2436040). Advanced modeling of protein sequence and biophysical properties (such as structural, functional, and spatial information, amino acid conservation, physicochemical variation, residue mobility, and thermodynamic stability) has been performed at Invitae for this missense variant, however the output from this modeling did not meet the statistical confidence thresholds required to predict the impact of this variant on SLC4A1 protein function. In summary, the available evidence is currently insufficient to determine the role of this variant in disease. Therefore, it has been classified as a Variant of Uncertain Significance.

ARUP Laboratories, Molecular Genetics and Genomics, ARUP Laboratories
Classification: Uncertain significance. Last evaluated: 2023-12-05. Review status: criteria provided, single submitter. Criteria: ARUP Molecular Germline Variant Investigation Process 2024. Collection method: clinical testing. Allele origin: germline.

Revvity Omics, Revvity
Classification: Uncertain significance. Last evaluated: 2022-09-24. Review status: criteria provided, single submitter. Criteria: ACMG Guidelines, 2015. Collection method: clinical testing. Allele origin: germline.

NM_000342.4(SLC4A1):c.1366G>A (p.Ala456Thr)

Gene: SLC4A1 (solute carrier family 4 member 1 (Diego blood group); minus strand). Cytogenetic location: 17q21.31.
Variant type: single nucleotide variant.
Coding change: c.1366G>A on transcript NM_000342.4 (MANE Select); coding-DNA position 1366, G replaced by A.
Protein change: p.Ala456Thr; replaces alanine 456 with threonine.
Molecular consequence: missense variant.
Genome position (GRCh38, 1-based): chr17:44,257,724, C>T on the plus strand (G>A on the coding strand, the complement: SLC4A1 is on the minus strand). VCF-style: chr17-44257724-C-T. GRCh37 (hg19) VCF-style: chr17-42335092-C-T.
Other names: short protein forms A456T.
Identifiers: ClinVar variation 2436040 (VCV002436040.7), dbSNP rs774299761, ClinGen allele CA8600291.